The following is an entry in ClinVar:

NM_001371623.1(TCOF1):c.4371_4373del (p.Lys1461del)

Gene: TCOF1 (treacle ribosome biogenesis factor 1; plus strand). Cytogenetic location: 5q32.
Variant type: Deletion.
Coding change: c.4371_4373del on transcript NM_001371623.1 (MANE Select); coding-DNA positions 4371 to 4373, 3 bases deleted (AAA; older notation c.4371_4373delAAA).
Protein change: p.Lys1461del; deletes lysine 1461.
Molecular consequence: inframe deletion.
Genome position (GRCh38, 1-based): chr5:150,398,379-150,398,381, AAA deleted; deleting any 3 consecutive bases within chr5:150,398,378-150,398,381 gives the same sequence; the c. name uses the placement nearest the transcript's 3' end. VCF-style (leftmost placement, unchanged base first): chr5-150398377-GAAA-G. GRCh37 (hg19) VCF-style: chr5-149777940-GAAA-G.
Other names: c.4137_4139del, p.Lys1383del (NM_000356.4); c.4368_4370del, p.Lys1460del (NM_001135243.2); c.4257_4259del, p.Lys1423del (NM_001135244.2); c.4140_4142del, p.Lys1384del (NM_001135245.2); c.4254_4256del, p.Lys1422del (NM_001195141.2); short protein forms K1383del, K1384del, K1422del, K1423del, K1460del, K1461del.
Identifiers: ClinVar variation 1312744 (VCV001312744.2), dbSNP rs765883642, ClinGen allele CA3511745.

ClinVar aggregate classification (germline): Uncertain significance (1 of 4 stars; one submission).

Submission:

GeneDx
Classification: Uncertain significance. Last evaluated: 2020-01-23. Review status: criteria provided, single submitter. Criteria: GeneDx Variant Classification Process June 2021. Collection method: clinical testing. Allele origin: germline. Affected: yes.
Comment: In silico analysis, which includes protein predictors and evolutionary conservation, supports a deleterious effect; In-frame deletion in a repetitive region with no known function; Has not been previously published as pathogenic or benign to our knowledge